The following is an entry in ClinVar:

ClinVar aggregate classification (germline): Likely benign. Review status: criteria provided, multiple submitters, no conflicts (2 of 4 stars). 5 submissions from 5 submitters: Likely benign (5). Last evaluated 2026-04-21.

Conditions:
Inborn genetic diseases. Identifiers: MedGen C0950123, MeSH D030342.

Allele frequency attached by ClinVar (database versions not stated): ESP Exome Variant Server 0.00008; gnomAD 0.00008 and 0.00009; TOPMed 0.00008; gnomAD exomes 0.00013; ExAC 0.00014.
gnomAD v4.1: 129 of 1,614,076 alleles (0.008%); highest among the groups gnomAD compares: Non-Finnish European, 0.01%; no homozygotes.

Submissions (5):

Women's Health and Genetics/Laboratory Corporation of America, LabCorp
Classification: Likely benign. Last evaluated: 2026-04-21. Review status: criteria provided, single submitter. Criteria: LabCorp Variant Classification Summary - May 2015. Collection method: clinical testing. Allele origin: germline.
Comment: Variant summary: FAM111A c.1708A>T (p.Ser570Cys) results in a non-conservative amino acid change in the encoded protein sequence. Algorithms developed to predict the effect of missense changes on protein structure and function are either unavailable or do not agree on the potential impact of this missense change. The variant allele was found at a frequency of 0.00013 in 251424 control chromosomes. To our knowledge, no occurrence of c.1708A>T in individuals affected with FAM111A-related conditions and no experimental evidence demonstrating its impact on protein function have been reported. ClinVar contains an entry for this variant (Variation ID: 1465168). Based on the evidence outlined above, the variant was classified as likely benign.

Labcorp Genetics (formerly Invitae), Labcorp
Classification: Likely benign. Last evaluated: 2026-01-12. Review status: criteria provided, single submitter. Criteria: Invitae Variant Classification Sherloc (09022015). Collection method: clinical testing. Allele origin: germline.

Laboratory of Genetics, Children's Clinical University Hospital Latvia
Classification: Likely benign. Last evaluated: 2025-02-16. Review status: criteria provided, single submitter. Criteria: ACMG Guidelines, 2015. Collection method: clinical testing. Allele origin: germline. Affected: yes.

Blueprint Genetics
Classification: Likely benign. Last evaluated: 2024-11-13. Review status: criteria provided, single submitter. Criteria: ACMG Guidelines, 2015. Collection method: clinical testing. Allele origin: germline.

Ambry Genetics
Classification: Likely benign for Inborn genetic diseases. Last evaluated: 2023-11-04. Review status: criteria provided, single submitter. Criteria: Ambry Variant Classification Scheme 2023. Collection method: clinical testing. Allele origin: germline.

NM_001312909.2(FAM111A):c.1708A>T (p.Ser570Cys)

Gene: FAM111A (FAM111 trypsin like peptidase A; plus strand). Cytogenetic location: 11q12.1.
Variant type: single nucleotide variant.
Coding change: c.1708A>T on transcript NM_001312909.2 (MANE Select); coding-DNA position 1708, A replaced by T.
Protein change: p.Ser570Cys; replaces serine 570 with cysteine.
Molecular consequence: missense variant.
Genome position (GRCh38, 1-based): chr11:59,153,376, A>T. VCF-style: chr11-59153376-A-T. GRCh37 (hg19) VCF-style: chr11-58920849-A-T.
Other names: c.1708A>T, p.Ser570Cys (NM_001142519.3, NM_001142520.3, NM_001142521.3 and 29 more transcripts); c.1708A>T (NM_001142520.1); short protein forms S570C.
Identifiers: ClinVar variation 1465168 (VCV001465168.10), dbSNP rs201874283, ClinGen allele CA6016822.